The following is an entry in ClinVar:

ClinVar aggregate classification (germline): Uncertain significance. Review status: criteria provided, multiple submitters, no conflicts (2 of 4 stars). 4 submissions from 4 submitters: Uncertain significance (4). Last evaluated 2024-04-12.

Conditions:
Hereditary nonpolyposis colorectal neoplasms. Identifiers: MedGen C0009405, MeSH D003123.
Hereditary cancer-predisposing syndrome. Also called: Neoplastic Syndromes, Hereditary; Tumor predisposition; Hereditary Cancer Syndrome; Hereditary neoplastic syndrome. Identifiers: Orphanet 140162, MedGen C0027672, MeSH D009386, MONDO:0015356.
Lynch syndrome. Identifiers: Orphanet 144, MedGen C4552100, MONDO:0005835. Disease mechanism: loss of function.

Submissions (4):

Ambry Genetics
Classification: Uncertain significance for Hereditary cancer-predisposing syndrome. Last evaluated: 2024-04-12. Review status: criteria provided, single submitter. Criteria: Ambry Variant Classification Scheme 2023. Collection method: clinical testing. Allele origin: germline.
Comment: The p.E1348D variant (also known as c.4044A>C), located in coding exon 10 of the MSH6 gene, results from an A to C substitution at nucleotide position 4044. The glutamic acid at codon 1348 is replaced by aspartic acid, an amino acid with highly similar properties. This amino acid position is not well conserved in available vertebrate species. In addition, this alteration is predicted to be tolerated by in silico analysis. Based on the available evidence, the clinical significance of this variant remains unclear.

Labcorp Genetics (formerly Invitae), Labcorp
Classification: Uncertain significance for Hereditary nonpolyposis colorectal neoplasms. Last evaluated: 2024-02-12. Review status: criteria provided, single submitter. Criteria: Invitae Variant Classification Sherloc (09022015). Collection method: clinical testing. Allele origin: germline.
Comment: This sequence change replaces glutamic acid, which is acidic and polar, with aspartic acid, which is acidic and polar, at codon 1348 of the MSH6 protein (p.Glu1348Asp). This variant is not present in population databases (gnomAD no frequency). This variant has not been reported in the literature in individuals affected with MSH6-related conditions. ClinVar contains an entry for this variant (Variation ID: 187446). Advanced modeling of protein sequence and biophysical properties (such as structural, functional, and spatial information, amino acid conservation, physicochemical variation, residue mobility, and thermodynamic stability) performed at Invitae indicates that this missense variant is not expected to disrupt MSH6 protein function with a negative predictive value of 95%. In summary, the available evidence is currently insufficient to determine the role of this variant in disease. Therefore, it has been classified as a Variant of Uncertain Significance.

All of Us Research Program, National Institutes of Health
Classification: Uncertain significance for Lynch syndrome. Last evaluated: 2023-06-08. Review status: criteria provided, single submitter. Criteria: ACMG Guidelines, 2015. Collection method: clinical testing. Allele origin: germline. Inheritance: Autosomal dominant inheritance. Observed: 1 variant allele, 1 heterozygote.
Comment: This missense variant replaces glutamic acid with aspartic acid at codon 1348 of the MSH6 protein. Computational prediction suggests that this variant may not impact protein structure and function (internally defined REVEL score threshold <= 0.5, PMID: 27666373). To our knowledge, functional studies have not been reported for this variant. This variant has not been reported in individuals affected with MSH6-related disorders in the literature. This variant has not been identified in the general population by the Genome Aggregation Database (gnomAD). The available evidence is insufficient to determine the role of this variant in disease conclusively. Therefore, this variant is classified as a Variant of Uncertain Significance.

This study involves interpretation of variants in research participants for the purpose of population health screening. Participant phenotype was not available at the time of variant classification. Additional details can be found in publication PMID: 35346344, PMCID: PMC8962531

Women's Health and Genetics/Laboratory Corporation of America, LabCorp
Classification: Uncertain significance. Last evaluated: 2022-05-30. Review status: criteria provided, single submitter. Criteria: LabCorp Variant Classification Summary - May 2015. Collection method: clinical testing. Allele origin: germline.

NM_000179.3(MSH6):c.4044A>C (p.Glu1348Asp)

Gene: MSH6 (mutS homolog 6; plus strand). Cytogenetic location: 2p16.3.
Variant type: single nucleotide variant.
Coding change: c.4044A>C on transcript NM_000179.3 (MANE Select); coding-DNA position 4044, A replaced by C.
Protein change: p.Glu1348Asp; replaces glutamic acid 1348 with aspartic acid.
Molecular consequence: missense variant.
Genome position (GRCh38, 1-based): chr2:47,806,821, A>C. VCF-style: chr2-47806821-A-C. GRCh37 (hg19) VCF-style: chr2-48033960-A-C.
Other names: c.3654A>C, p.Glu1218Asp (NM_001281492.2); c.3138A>C, p.Glu1046Asp (NM_001281493.2, NM_001281494.2); short protein forms E1348D, E1046D, E1218D.
Identifiers: ClinVar variation 187446 (VCV000187446.19), dbSNP rs786203740, ClinGen allele CA015340.